The following is an entry in ClinVar:

ClinVar aggregate classification (germline): Likely pathogenic (1 of 4 stars; one submission).

Submission:

Dasa
Classification: Likely pathogenic. Last evaluated: 2025-06-03. Review status: criteria provided, single submitter. Criteria: DASA Assertion Criteria. Collection method: clinical testing. Allele origin: germline.
Comment: NM_205768.3(ZBTB18):c.680del (p.Ser227*) introduces a premature termination codon predicted to result in loss of normal protein function. Loss-of-function is an established mechanism of disease for this gene. The variant is present at low frequency in population datasets. Based on the available data, this variant is classified as likely pathogenic.

NM_205768.3(ZBTB18):c.680del (p.Ser226_Ser227insTer)

Gene: ZBTB18 (zinc finger and BTB domain containing 18; plus strand). Cytogenetic location: 1q44.
Variant type: Deletion.
Coding change: c.680del on transcript NM_205768.3 (MANE Select); coding-DNA position 680, one base deleted (C; older notation c.680delC).
Protein change: p.Ser226_Ser227insTer.
Molecular consequence: nonsense.
Genome position (GRCh38, 1-based): chr1:244,054,454, C deleted. VCF-style (leftmost placement, unchanged base first): chr1-244054453-TC-T. GRCh37 (hg19) VCF-style: chr1-244217755-TC-T.
Other names: c.680del, p.Ser226_Ser227insTer (NM_001421566.1); c.653del, p.Ser217_Ser218insTer (NM_006352.5, NM_001278196.2).
Identifiers: ClinVar variation 4851794 (VCV004851794.1).
Genomic context (GRCh38, chr1:244,054,453, plus strand): 5'-GGCGGAGAGGCAGAGCCACACGCCACAGCAGCTGGAAAAACAGTAGCCAGCCCCTGCAGC[TC>T]AACAGAGTCTTTGTCCCAGAGGTCTGTCACCTCCGTGAGGGATTCGGCAGATGTTGACTG-3'